The following is an entry in ClinVar:

NM_000094.4(COL7A1):c.3625T>C (p.Ser1209Pro)

Gene: COL7A1 (collagen type VII alpha 1 chain; minus strand). Cytogenetic location: 3p21.31.
Variant type: single nucleotide variant.
Coding change: c.3625T>C on transcript NM_000094.4 (MANE Select); coding-DNA position 3625, T replaced by C.
Protein change: p.Ser1209Pro; replaces serine 1209 with proline.
Molecular consequence: missense variant.
Genome position (GRCh38, 1-based): chr3:48,586,172, A>G on the plus strand (T>C on the coding strand, the complement: COL7A1 is on the minus strand). VCF-style: chr3-48586172-A-G. GRCh37 (hg19) VCF-style: chr3-48623605-A-G.
Other names: short protein forms S1209P.
Identifiers: ClinVar variation 4696074 (VCV004696074.1).
Genomic context (GRCh38, chr3:48,586,172, plus strand): 5'-GACCACTGACTGCCTGGTCCAGGCTTGGCCCATCATCCACGGCGAAGAAGGTCTGGACAG[A>G]GTCCATACCCGGCGCCAAGCGACGCAGCTGCTCTGGGTCCGCTCCAGCCATTCCCAACAT-3'
Protein context (NP_000085.1, residues 1199-1219): QLRRLAPGMD[Ser1209Pro]VQTFFAVDDG

ClinVar aggregate classification (germline): Uncertain significance (1 of 4 stars; one submission).

Submission:

Labcorp Genetics (formerly Invitae), Labcorp
Classification: Uncertain significance. Last evaluated: 2025-11-04. Review status: criteria provided, single submitter. Criteria: Invitae Variant Classification Sherloc (09022015). Collection method: clinical testing. Allele origin: germline.
Comment: This sequence change replaces serine, which is neutral and polar, with proline, which is neutral and non-polar, at codon 1209 of the COL7A1 protein (p.Ser1209Pro). This variant is not present in population databases (gnomAD no frequency). This variant has not been reported in the literature in individuals affected with COL7A1-related conditions. Invitae Evidence Modeling of protein sequence and biophysical properties (such as structural, functional, and spatial information, amino acid conservation, physicochemical variation, residue mobility, and thermodynamic stability) indicates that this missense variant is not expected to disrupt COL7A1 protein function with a negative predictive value of 95%. In summary, the available evidence is currently insufficient to determine the role of this variant in disease. Therefore, it has been classified as a Variant of Uncertain Significance.